The following is an entry in ClinVar:

ClinVar aggregate classification (germline): Benign. Review status: criteria provided, single submitter (1 of 4 stars). 2 submissions from 2 submitters: Benign (1). 1 of the submissions does not count toward it. Last evaluated 2018-06-14.

Conditions:
UBR4-related disorder. Also called: UBR4-related condition.

Allele frequency attached by ClinVar (database versions not stated): gnomAD exomes 0.00032 and 0.00079; ExAC 0.00092; 1000 Genomes Project 30x 0.00219; 1000 Genomes Project 0.00240; gnomAD 0.00259 and 0.00275; ESP Exome Variant Server 0.00277; TOPMed 0.00302.
gnomAD v4.1: 899 of 1,613,832 alleles (0.056%); highest among the groups gnomAD compares: African/African-American, 0.9%; 5 homozygotes.

Submissions (2):

Labcorp Genetics (formerly Invitae), Labcorp
Classification: Benign. Last evaluated: 2018-06-14. Review status: criteria provided, single submitter. Criteria: Invitae Variant Classification Sherloc (09022015). Collection method: clinical testing. Allele origin: germline.

PreventionGenetics, part of Exact Sciences
Classification: Benign for UBR4-related condition. Last evaluated: 2019-07-10. Review status: no assertion criteria provided. Collection method: clinical testing. Allele origin: germline. Not counted in ClinVar's aggregate classification.
Comment: This variant is classified as benign based on ACMG/AMP sequence variant interpretation guidelines (Richards et al. 2015 PMID: 25741868, with internal and published modifications).

NM_020765.3(UBR4):c.4313-10C>T

Gene: UBR4 (ubiquitin protein ligase E3 component n-recognin 4; minus strand). Cytogenetic location: 1p36.13.
Variant type: single nucleotide variant.
Coding change: c.4313-10C>T on transcript NM_020765.3 (MANE Select); 10 bases into the intron before coding-DNA position 4313, C replaced by T.
Molecular consequence: intron variant.
Genome position (GRCh38, 1-based): chr1:19,165,007, G>A on the plus strand (C>T on the coding strand, the complement: UBR4 is on the minus strand). VCF-style: chr1-19165007-G-A. GRCh37 (hg19) VCF-style: chr1-19491501-G-A.
Identifiers: ClinVar variation 786455 (VCV000786455.5), dbSNP rs189822808, ClinGen allele CA650864.